The following is an entry in ClinVar:

ClinVar aggregate classification (germline): Uncertain significance (1 of 4 stars; one submission).

Conditions:
Hereditary spastic paraplegia 73. Also called: Spastic paraplegia 73, autosomal dominant. Identifiers: Orphanet 444099, MedGen C5568981, MONDO:0014568, OMIM 616282.

Allele frequency attached by ClinVar (database versions not stated): ESP Exome Variant Server 0.00015.
gnomAD v4.1: 96 of 1,613,680 alleles (0.0059%); highest among the groups gnomAD compares: Non-Finnish European, 0.0074%; no homozygotes.

Submission:

Labcorp Genetics (formerly Invitae), Labcorp
Classification: Uncertain significance for Hereditary spastic paraplegia 73. Last evaluated: 2025-05-18. Review status: criteria provided, single submitter. Criteria: Invitae Variant Classification Sherloc (09022015). Collection method: clinical testing. Allele origin: germline.
Comment: This sequence change replaces histidine, which is basic and polar, with asparagine, which is neutral and polar, at codon 364 of the CPT1C protein (p.His364Asn). This variant is present in population databases (rs373846986, gnomAD 0.006%). This variant has not been reported in the literature in individuals affected with CPT1C-related conditions. ClinVar contains an entry for this variant (Variation ID: 1902805). Invitae Evidence Modeling of protein sequence and biophysical properties (such as structural, functional, and spatial information, amino acid conservation, physicochemical variation, residue mobility, and thermodynamic stability) indicates that this missense variant is not expected to disrupt CPT1C protein function with a negative predictive value of 80%. In summary, the available evidence is currently insufficient to determine the role of this variant in disease. Therefore, it has been classified as a Variant of Uncertain Significance.

NM_001199753.2(CPT1C):c.1123C>A (p.His375Asn)

Gene: CPT1C (carnitine palmitoyltransferase 1C; plus strand). Cytogenetic location: 19q13.33.
Variant type: single nucleotide variant.
Coding change: c.1123C>A on transcript NM_001199753.2 (MANE Select); coding-DNA position 1123, C replaced by A.
Protein change: p.His375Asn; replaces histidine 375 with asparagine.
Molecular consequence: missense variant. On other transcripts: non-coding transcript variant (1).
Genome position (GRCh38, 1-based): chr19:49,706,067, C>A. VCF-style: chr19-49706067-C-A. GRCh37 (hg19) VCF-style: chr19-50209324-C-A.
Other names: c.1090C>A, p.His364Asn (NM_001136052.3, NM_001378485.1, NM_001378487.1); c.1123C>A, p.His375Asn (NM_001199752.3, NM_001378483.1, NM_001378484.1 and 3 more transcripts); c.1189C>A, p.His397Asn (NM_001378482.1); short protein forms H397N, H375N, H364N.
Identifiers: ClinVar variation 1902805 (VCV001902805.5), dbSNP rs373846986, ClinGen allele CA9582074.
Genomic context (GRCh38, chr19:49,706,067, plus strand): 5'-CCGAGAGCCCTGGAGCAGCAGTTTCAGAGAATCCTGGATGATCCCTCACCGGCCTGCCCC[C>A]ACGAGGAACATCTGGCAGCTCTGACAGCTGCTCCCAGGTAAGGGTCAGGGGTCAGGGGTC-3'
Protein context (NP_001186682.1, residues 365-385): ILDDPSPACP[His375Asn]EEHLAALTAA